The following is an entry in ClinVar:

ClinVar aggregate classification (germline): Uncertain significance (1 of 4 stars; one submission).

Conditions:
Mowat-Wilson syndrome (MOWS). Also called: Classic Mowat-Wilson Syndrome. Identifiers: Orphanet 2152, MedGen C1856113, MONDO:0009341, OMIM 235730.

Submission:

Labcorp Genetics (formerly Invitae), Labcorp
Classification: Uncertain significance for Mowat-Wilson syndrome. Last evaluated: 2022-06-15. Review status: criteria provided, single submitter. Criteria: Invitae Variant Classification Sherloc (09022015). Collection method: clinical testing. Allele origin: germline.
Comment: In summary, the available evidence is currently insufficient to determine the role of this variant in disease. Therefore, it has been classified as a Variant of Uncertain Significance. Algorithms developed to predict the effect of missense changes on protein structure and function (SIFT, PolyPhen-2, Align-GVGD) all suggest that this variant is likely to be tolerated. This variant has not been reported in the literature in individuals affected with ZEB2-related conditions. This variant is not present in population databases (gnomAD no frequency). This sequence change replaces asparagine, which is neutral and polar, with serine, which is neutral and polar, at codon 346 of the ZEB2 protein (p.Asn346Ser).

NM_014795.4(ZEB2):c.1037A>G (p.Asn346Ser)

Gene: ZEB2 (zinc finger E-box binding homeobox 2; minus strand). Cytogenetic location: 2q22.3.
Variant type: single nucleotide variant.
Coding change: c.1037A>G on transcript NM_014795.4 (MANE Select); coding-DNA position 1037, A replaced by G.
Protein change: p.Asn346Ser; replaces asparagine 346 with serine.
Molecular consequence: missense variant.
Genome position (GRCh38, 1-based): chr2:144,400,150, T>C on the plus strand (A>G on the coding strand, the complement: ZEB2 is on the minus strand). VCF-style: chr2-144400150-T-C. GRCh37 (hg19) VCF-style: chr2-145157717-T-C.
Other names: c.965A>G, p.Asn322Ser (NM_001171653.2); short protein forms N346S, N322S.
Identifiers: ClinVar variation 2007023 (VCV002007023.4), dbSNP rs2549107146, ClinGen allele CA348712949.
Genomic context (GRCh38, chr2:144,400,150, plus strand): 5'-ATGGCTGAATTAGTAGGAGAAGAAGAAACAGAATTAGGGGAAGAACCCGTCTTGATATTG[T>C]TTCTCATTCGGCCATTTACAGAGATTAAACCAATACATTTCTTGCTGCTGATGTGCGAAC-3'
Protein context (NP_055610.1, residues 336-356): GLISVNGRMR[Asn346Ser]NIKTGSSPNS